The following is an entry in ClinVar:

NM_001134407.3(GRIN2A):c.2788C>G (p.Leu930Val)

Gene: GRIN2A (glutamate ionotropic receptor NMDA type subunit 2A; minus strand). Cytogenetic location: 16p13.2.
Variant type: single nucleotide variant.
Coding change: c.2788C>G on transcript NM_001134407.3 (MANE Select); coding-DNA position 2788, C replaced by G.
Protein change: p.Leu930Val; replaces leucine 930 with valine.
Molecular consequence: missense variant.
Genome position (GRCh38, 1-based): chr16:9,764,756, G>C on the plus strand (C>G on the coding strand, the complement: GRIN2A is on the minus strand). VCF-style: chr16-9764756-G-C. GRCh37 (hg19) VCF-style: chr16-9858613-G-C.
Other names: c.2788C>G, p.Leu930Val (NM_000833.5, NM_001134408.2); c.2788C>G (NM_000833.3); short protein forms L930V.
Identifiers: ClinVar variation 2672083 (VCV002672083.6), dbSNP rs2141137049, ClinGen allele CA394709356.

ClinVar aggregate classification (germline): Uncertain significance (1 of 4 stars; one submission).

Conditions:
Landau-Kleffner syndrome (FESD). Also called: APHASIA, ACQUIRED, WITH EPILEPSY; EPILEPSY, FOCAL, WITH SPEECH DISORDER AND WITH OR WITHOUT MENTAL RETARDATION. Identifiers: Orphanet 1945, Orphanet 725, Orphanet 98818, MedGen C0282512, MONDO:0009509, OMIM 245570.

Allele frequency attached by ClinVar (database versions not stated): gnomAD exomes 0.00001.
gnomAD v4.1: 3 of 1,614,186 alleles (0.00019%); highest among the groups gnomAD compares: Non-Finnish European, 0.00025%; no homozygotes.

Submission:

Labcorp Genetics (formerly Invitae), Labcorp
Classification: Uncertain significance for Landau-Kleffner syndrome. Last evaluated: 2023-03-09. Review status: criteria provided, single submitter. Criteria: Invitae Variant Classification Sherloc (09022015). Collection method: clinical testing. Allele origin: germline.
Comment: In summary, the available evidence is currently insufficient to determine the role of this variant in disease. Therefore, it has been classified as a Variant of Uncertain Significance. Advanced modeling of protein sequence and biophysical properties (such as structural, functional, and spatial information, amino acid conservation, physicochemical variation, residue mobility, and thermodynamic stability) performed at Invitae indicates that this missense variant is not expected to disrupt GRIN2A protein function. This variant has not been reported in the literature in individuals affected with GRIN2A-related conditions. This variant is not present in population databases (gnomAD no frequency). This sequence change replaces leucine, which is neutral and non-polar, with valine, which is neutral and non-polar, at codon 930 of the GRIN2A protein (p.Leu930Val).